The following is an entry in ClinVar:

ClinVar aggregate classification (germline): Uncertain significance. Review status: criteria provided, multiple submitters, no conflicts (2 of 4 stars). 2 submissions from 2 submitters: Uncertain significance (2). Last evaluated 2025-11-05.

Conditions:
Hereditary cancer-predisposing syndrome. Also called: Hereditary Cancer Syndrome; Hereditary neoplastic syndrome; Neoplastic Syndromes, Hereditary; Tumor predisposition. Identifiers: Orphanet 140162, MedGen C0027672, MeSH D009386, MONDO:0015356.
Neuroblastoma, susceptibility to, 3. Also called: ALK-Related Neuroblastic Tumor Susceptibility. Identifiers: Orphanet 635, MedGen C2751681, MONDO:0013083, OMIM 613014.

gnomAD v4.1: 3 of 1,614,044 alleles (0.00019%); highest among the groups gnomAD compares: Non-Finnish European, 0.00025%; no homozygotes.

Submissions (2):

Labcorp Genetics (formerly Invitae), Labcorp
Classification: Uncertain significance for Neuroblastoma, susceptibility to, 3. Last evaluated: 2025-11-05. Review status: criteria provided, single submitter. Criteria: Invitae Variant Classification Sherloc (09022015). Collection method: clinical testing. Allele origin: germline.
Comment: This sequence change replaces threonine, which is neutral and polar, with alanine, which is neutral and non-polar, at codon 387 of the ALK protein (p.Thr387Ala). This variant is not present in population databases (gnomAD no frequency). This variant has not been reported in the literature in individuals affected with ALK-related conditions. ClinVar contains an entry for this variant (Variation ID: 3524212). An algorithm developed to predict the effect of missense changes on protein structure and function (PolyPhen-2) suggests that this variant is likely to be tolerated. In summary, the available evidence is currently insufficient to determine the role of this variant in disease. Therefore, it has been classified as a Variant of Uncertain Significance.

Ambry Genetics
Classification: Uncertain significance for Hereditary cancer-predisposing syndrome. Last evaluated: 2024-07-26. Review status: criteria provided, single submitter. Criteria: Ambry Variant Classification Scheme 2023. Collection method: clinical testing. Allele origin: germline.
Comment: The p.T387A variant (also known as c.1159A>G), located in coding exon 5 of the ALK gene, results from an A to G substitution at nucleotide position 1159. The threonine at codon 387 is replaced by alanine, an amino acid with similar properties. This amino acid position is conserved. In addition, this alteration is predicted to be tolerated by in silico analysis. Based on the available evidence, the clinical significance of this variant remains unclear.

NM_004304.5(ALK):c.1159A>G (p.Thr387Ala)

Gene: ALK (ALK receptor tyrosine kinase; minus strand). Cytogenetic location: 2p23.2.
Variant type: single nucleotide variant.
Coding change: c.1159A>G on transcript NM_004304.5 (MANE Select); coding-DNA position 1159, A replaced by G.
Protein change: p.Thr387Ala; replaces threonine 387 with alanine.
Molecular consequence: missense variant.
Genome position (GRCh38, 1-based): chr2:29,383,855, T>C on the plus strand (A>G on the coding strand, the complement: ALK is on the minus strand). VCF-style: chr2-29383855-T-C. GRCh37 (hg19) VCF-style: chr2-29606721-T-C.
Other names: short protein forms T387A.
Identifiers: ClinVar variation 3524212 (VCV003524212.2).
Genomic context (GRCh38, chr2:29,383,855, plus strand): 5'-TGTATTCCAGGGCCACTCGAAATGGGTTGTCTGGACGCCCGATTCTTCCCTGGAGCACTG[T>C]CCAACTGGTTGCATTGGAAAACAGAGGAGAAAAGCATAGAGAAACAGATATGAGAATTAG-3'
Protein context (NP_004295.2, residues 377-397): LMPTPGKHGW[Thr387Ala]VLQGRIGRPD